The following is an entry in ClinVar:

NM_002439.5(MSH3):c.2763T>A (p.Tyr921Ter)

Gene: MSH3 (mutS homolog 3; plus strand). Cytogenetic location: 5q14.1.
Variant type: single nucleotide variant.
Coding change: c.2763T>A on transcript NM_002439.5 (MANE Select); coding-DNA position 2763, T replaced by A.
Protein change: p.Tyr921Ter; replaces tyrosine 921 with a stop codon.
Molecular consequence: nonsense.
Genome position (GRCh38, 1-based): chr5:80,813,691, T>A. VCF-style: chr5-80813691-T-A. GRCh37 (hg19) VCF-style: chr5-80109510-T-A.
Other names: short protein forms Y921*.
Identifiers: ClinVar variation 2565642 (VCV002565642.3), dbSNP rs1174006665, ClinGen allele CA360274025.
Genomic context (GRCh38, chr5:80,813,691, plus strand): 5'-AAAGAGCTCCTACATAAAACAAGTTGCATTGATTACCATCATGGCTCAGATTGGCTCCTA[T>A]GTTCCTGCAGAAGAAGCGACAATTGGGATTGTGGATGGCATTTTCACAAGGTAAGTACGT-3'

ClinVar aggregate classification (germline): Pathogenic. Review status: criteria provided, multiple submitters, no conflicts (2 of 4 stars). 2 submissions from 2 submitters: Pathogenic (2). Last evaluated 2023-08-31.

Conditions:
Hereditary cancer-predisposing syndrome. Also called: Neoplastic Syndromes, Hereditary; Hereditary Cancer Syndrome; Hereditary neoplastic syndrome; Tumor predisposition. Identifiers: Orphanet 140162, MedGen C0027672, MeSH D009386, MONDO:0015356.
Familial adenomatous polyposis 4 (FAP4). Also called: MSH3-related attenuated familial adenomatous polyposis. Identifiers: Orphanet 480536, MedGen C4310719, MONDO:0044300, OMIM 617100.

Submissions (2):

Myriad Genetics, Inc.
Classification: Pathogenic for Familial adenomatous polyposis 4. Last evaluated: 2023-08-31. Review status: criteria provided, single submitter. Criteria: Myriad Autosomal Dominant, Autosomal Recessive and X-Linked Classification Criteria (2023). Collection method: clinical testing. Allele origin: unknown.
Comment: This variant is considered pathogenic. This variant creates a termination codon and is predicted to result in premature protein truncation.

Ambry Genetics
Classification: Pathogenic for Hereditary cancer-predisposing syndrome. Last evaluated: 2023-04-12. Review status: criteria provided, single submitter. Criteria: Ambry Variant Classification Scheme 2023. Collection method: clinical testing. Allele origin: germline.
Comment: The p.Y921* pathogenic mutation (also known as c.2763T>A), located in coding exon 20 of the MSH3 gene, results from a T to A substitution at nucleotide position 2763. This changes the amino acid from a tyrosine to a stop codon within coding exon 20. This variant is considered to be rare based on population cohorts in the Genome Aggregation Database (gnomAD). This alteration is expected to result in loss of function by premature protein truncation or nonsense-mediated mRNA decay. As such, this alteration is interpreted as a disease-causing mutation.